The following is an entry in ClinVar:

NM_001271.4(CHD2):c.3782G>A (p.Trp1261Ter)

Gene: CHD2 (chromodomain helicase DNA binding protein 2; plus strand). Cytogenetic location: 15q26.1.
Variant type: single nucleotide variant.
Coding change: c.3782G>A on transcript NM_001271.4 (MANE Select); coding-DNA position 3782, G replaced by A.
Protein change: p.Trp1261Ter; replaces tryptophan 1261 with a stop codon.
Molecular consequence: nonsense.
Genome position (GRCh38, 1-based): chr15:92,997,300, G>A. VCF-style: chr15-92997300-G-A. GRCh37 (hg19) VCF-style: chr15-93540530-G-A.
Other names: short protein forms W1261*.
Identifiers: ClinVar variation 863276 (VCV000863276.12), dbSNP rs1555444603, ClinGen allele CA393898406.

ClinVar aggregate classification (germline): Pathogenic. Review status: criteria provided, multiple submitters, no conflicts (2 of 4 stars). 2 submissions from 2 submitters: Pathogenic (2). Last evaluated 2022-07-26.

Conditions:
Developmental and epileptic encephalopathy 94 (DEE94). Also called: CHD2-Related Neurodevelopmental Disorders; Epileptic encephalopathy, childhood-onset. Identifiers: Orphanet 1942, Orphanet 2382, MedGen C3809278, MONDO:0014150, OMIM 615369.

Submissions (2):

GeneDx
Classification: Pathogenic. Last evaluated: 2022-07-26. Review status: criteria provided, single submitter. Criteria: GeneDx Variant Classification Process June 2021. Collection method: clinical testing. Allele origin: germline. Affected: yes.
Comment: Reported previously in an individual with early onset epilepsy (Stanek et al., 2018); Nonsense variant predicted to result in protein truncation or nonsense mediated decay in a gene for which loss-of-function is a known mechanism of disease; Not observed at significant frequency in large population cohorts (gnomAD); This variant is associated with the following publications: (PMID: 29720203, 31452935, 35774528)

Labcorp Genetics (formerly Invitae), Labcorp
Classification: Pathogenic for Developmental and epileptic encephalopathy 94. Last evaluated: 2020-08-02. Review status: criteria provided, single submitter. Criteria: Invitae Variant Classification Sherloc (09022015). Collection method: clinical testing. Allele origin: germline.
Comment: This variant has been observed in an individual affected with childhood epilepsy (PMID: 29720203). This variant is not present in population databases (ExAC no frequency). This sequence change creates a premature translational stop signal (p.Trp1261*) in the CHD2 gene. It is expected to result in an absent or disrupted protein product. Loss-of-function variants in CHD2 are known to be pathogenic (PMID: 23708187, 24207121). For these reasons, this variant has been classified as Pathogenic.

Literature cited by the submitters: PubMed 29720203 (cited by Labcorp Genetics (formerly Invitae), Labcorp); PubMed 23708187 (cited by Labcorp Genetics (formerly Invitae), Labcorp); PubMed 24207121 (cited by Labcorp Genetics (formerly Invitae), Labcorp).